The following is an entry in ClinVar:

ClinVar aggregate classification (germline): Uncertain significance. Review status: criteria provided, multiple submitters, no conflicts (2 of 4 stars). 5 submissions from 5 submitters: Uncertain significance (5). Last evaluated 2026-01-19.

Conditions:
Inborn genetic diseases. Identifiers: MedGen C0950123, MeSH D030342.
Developmental and epileptic encephalopathy, 18 (DEE18). Also called: Early infantile epileptic encephalopathy 18. Identifiers: Orphanet 369894, MedGen C3809624, MONDO:0014201, OMIM 615476.

Allele frequency attached by ClinVar (database versions not stated): 1000 Genomes Project 30x 0.00016; 1000 Genomes Project 0.00020; ESP Exome Variant Server 0.00031; gnomAD 0.00031 and 0.00033; ExAC 0.00035; gnomAD exomes 0.00038 and 0.00053; TOPMed 0.00040.
gnomAD v4.1: 825 of 1,614,180 alleles (0.051%); highest among the groups gnomAD compares: Non-Finnish European, 0.056%; no homozygotes.

Submissions (5):

Labcorp Genetics (formerly Invitae), Labcorp
Classification: Uncertain significance. Last evaluated: 2026-01-19. Review status: criteria provided, single submitter. Criteria: Invitae Variant Classification Sherloc (09022015). Collection method: clinical testing. Allele origin: germline.
Comment: This sequence change replaces arginine, which is basic and polar, with cysteine, which is neutral and slightly polar, at codon 1347 of the SZT2 protein (p.Arg1347Cys). This variant is present in population databases (rs150269825, gnomAD 0.1%). This variant has not been reported in the literature in individuals affected with SZT2-related conditions. ClinVar contains an entry for this variant (Variation ID: 639118). Invitae Evidence Modeling of protein sequence and biophysical properties (such as structural, functional, and spatial information, amino acid conservation, physicochemical variation, residue mobility, and thermodynamic stability) indicates that this missense variant is not expected to disrupt SZT2 protein function with a negative predictive value of 80%. In summary, the available evidence is currently insufficient to determine the role of this variant in disease. Therefore, it has been classified as a Variant of Uncertain Significance.

Ambry Genetics
Classification: Uncertain significance for Inborn genetic diseases. Last evaluated: 2025-04-01. Review status: criteria provided, single submitter. Criteria: Ambry Variant Classification Scheme 2023. Collection method: clinical testing. Allele origin: germline.

Blueprint Genetics
Classification: Uncertain significance. Last evaluated: 2024-11-11. Review status: criteria provided, single submitter. Criteria: ACMG Guidelines, 2015. Collection method: clinical testing. Allele origin: germline.

Genome-Nilou Lab
Classification: Uncertain significance for Developmental and epileptic encephalopathy, 18. Last evaluated: 2023-04-11. Review status: criteria provided, single submitter. Criteria: ACMG Guidelines, 2015. Collection method: clinical testing. Allele origin: germline. Affected: no.

GeneDx
Classification: Uncertain significance. Last evaluated: 2022-11-15. Review status: criteria provided, single submitter. Criteria: GeneDx Variant Classification Process June 2021. Collection method: clinical testing. Allele origin: germline. Affected: yes.
Comment: In silico analysis supports that this missense variant does not alter protein structure/function; Has not been previously published as pathogenic or benign to our knowledge

NM_001365999.1(SZT2):c.4210C>T (p.Arg1404Cys)

Gene: SZT2 (SZT2 subunit of KICSTOR complex; plus strand). Cytogenetic location: 1p34.2.
Variant type: single nucleotide variant.
Coding change: c.4210C>T on transcript NM_001365999.1 (MANE Select); coding-DNA position 4210, C replaced by T.
Protein change: p.Arg1404Cys; replaces arginine 1404 with cysteine.
Molecular consequence: missense variant.
Genome position (GRCh38, 1-based): chr1:43,429,746, C>T. VCF-style: chr1-43429746-C-T. GRCh37 (hg19) VCF-style: chr1-43895417-C-T.
Other names: c.4039C>T, p.Arg1347Cys (NM_015284.4); short protein forms R1404C, R1347C.
Identifiers: ClinVar variation 639118 (VCV000639118.12), dbSNP rs150269825, ClinGen allele CA809218.
Genomic context (GRCh38, chr1:43,429,746, plus strand): 5'-TTACCCCAACCATTCAGCATAGAGACCGAGGACCTAAGCGAGCCTGAGTTTCAGAGCACC[C>T]GTGTCCCTGGCATTCCAGACCCTGGGCCAGAGATCTCTCTGACAGATGTCTGCCAGCTCA-3'
Protein context (NP_001352928.1, residues 1394-1414): DLSEPEFQST[Arg1404Cys]VPGIPDPGPE